The following is an entry in ClinVar:

ClinVar aggregate classification (germline): Uncertain significance (1 of 4 stars; one submission).

Conditions:
NSD2-related disorder. Also called: NSD2-related condition; NSD2 related disorders.

Allele frequency attached by ClinVar (database versions not stated): gnomAD exomes below 0.00001.
gnomAD v4.1: 1 of 1,614,164 alleles (0.000062%); highest among the groups gnomAD compares: East Asian, 0.0022%; no homozygotes.

Submission:

PreventionGenetics, part of Exact Sciences
Classification: Uncertain significance for NSD2-related condition. Last evaluated: 2023-09-25. Review status: criteria provided, single submitter. Criteria: ACMG Guidelines, 2015. Collection method: clinical testing. Allele origin: germline.
Comment: The NSD2 c.88A>G variant is predicted to result in the amino acid substitution p.Ser30Gly. To our knowledge, this variant has not been reported in the literature or in a large population database, indicating this variant is rare. At this time, the clinical significance of this variant is uncertain due to the absence of conclusive functional and genetic evidence.

NM_001042424.3(NSD2):c.88A>G (p.Ser30Gly)

Gene: NSD2 (nuclear receptor binding SET domain protein 2; plus strand). Cytogenetic location: 4p16.3.
Variant type: single nucleotide variant.
Coding change: c.88A>G on transcript NM_001042424.3 (MANE Select); coding-DNA position 88, A replaced by G.
Protein change: p.Ser30Gly; replaces serine 30 with glycine.
Molecular consequence: missense variant.
Genome position (GRCh38, 1-based): chr4:1,900,742, A>G. VCF-style: chr4-1900742-A-G. GRCh37 (hg19) VCF-style: chr4-1902469-A-G.
Other names: c.88A>G, p.Ser30Gly (NM_007331.2, NM_133330.3, NM_133331.3 and 2 more transcripts); short protein forms S30G.
Identifiers: ClinVar variation 2633986 (VCV002633986.1), dbSNP rs2474215872, ClinGen allele CA355989587.